The following is an entry in ClinVar:

ClinVar aggregate classification (germline): Uncertain significance (1 of 4 stars; one submission).

Conditions:
Inborn genetic diseases. Identifiers: MedGen C0950123, MeSH D030342.

Allele frequency attached by ClinVar (database versions not stated): gnomAD exomes below 0.00001; TOPMed below 0.00001.
gnomAD v4.1: 1 of 1,613,906 alleles (0.000062%); highest among the groups gnomAD compares: Non-Finnish European, 0.000085%; no homozygotes.

Submission:

Ambry Genetics
Classification: Uncertain significance for Inborn genetic diseases. Last evaluated: 2020-03-19. Review status: criteria provided, single submitter. Criteria: Ambry Variant Classification Scheme 2023. Collection method: clinical testing. Allele origin: germline.
Comment: The p.V314M variant (also known as c.940G>A), located in coding exon 7 of the SPTLC2 gene, results from a G to A substitution at nucleotide position 940. The valine at codon 314 is replaced by methionine, an amino acid with highly similar properties. This amino acid position is highly conserved in available vertebrate species. In addition, this alteration is predicted to be deleterious by in silico analysis. Since supporting evidence is limited at this time, the clinical significance of this alteration remains unclear.

NM_004863.4(SPTLC2):c.940G>A (p.Val314Met)

Gene: SPTLC2 (serine palmitoyltransferase long chain base subunit 2; minus strand). Cytogenetic location: 14q24.3.
Variant type: single nucleotide variant.
Coding change: c.940G>A on transcript NM_004863.4 (MANE Select); coding-DNA position 940, G replaced by A.
Protein change: p.Val314Met; replaces valine 314 with methionine.
Molecular consequence: missense variant.
Genome position (GRCh38, 1-based): chr14:77,557,057, C>T on the plus strand (G>A on the coding strand, the complement: SPTLC2 is on the minus strand). VCF-style: chr14-77557057-C-T. GRCh37 (hg19) VCF-style: chr14-78023400-C-T.
Other names: short protein forms V314M.
Identifiers: ClinVar variation 1766878 (VCV001766878.2), dbSNP rs1196014658, ClinGen allele CA390709696.